The following is an entry in ClinVar:

NM_001378457.1(DMXL2):c.8550T>A (p.Gly2850=)

Gene: DMXL2 (Dmx like 2; minus strand). Cytogenetic location: 15q21.2.
Variant type: single nucleotide variant.
Coding change: c.8550T>A on transcript NM_001378457.1 (MANE Select); coding-DNA position 8550, T replaced by A.
Protein change: p.Gly2850=; no amino-acid change (glycine 2850 retained).
Molecular consequence: synonymous variant. On other transcripts: non-coding transcript variant (2).
Genome position (GRCh38, 1-based): chr15:51,455,205, A>T on the plus strand (T>A on the coding strand, the complement: DMXL2 is on the minus strand). VCF-style: chr15-51455205-A-T. GRCh37 (hg19) VCF-style: chr15-51747402-A-T.
Other names: c.8487T>A, p.Gly2829= (NM_001174116.3); c.6576T>A, p.Gly2192= (NM_001174117.3); c.8547T>A, p.Gly2849= (NM_001378458.1); c.8262T>A, p.Gly2754= (NM_001378459.1); c.6465T>A, p.Gly2155= (NM_001378460.1); c.8484T>A, p.Gly2828= (NM_015263.5).
Identifiers: ClinVar variation 1614240 (VCV001614240.9), dbSNP rs754554055, ClinGen allele CA7560984.

ClinVar aggregate classification (germline): Conflicting classifications of pathogenicity. Review status: criteria provided, conflicting classifications (1 of 4 stars). 2 submissions from 2 submitters: Uncertain significance (1); Likely benign (1). Last evaluated 2026-05-13.

Allele frequency attached by ClinVar (database versions not stated): ExAC 0.00001; gnomAD exomes 0.00001.
gnomAD v4.1: 3 of 1,613,896 alleles (0.00019%); highest among the groups gnomAD compares: Admixed American, 0.005%; no homozygotes.

Submissions (2):

Greenwood Genetic Center Diagnostic Laboratories, Greenwood Genetic Center
Classification: Uncertain significance. Last evaluated: 2026-05-13. Review status: criteria provided, single submitter. Criteria: ACMG Guidelines, 2015. Collection method: clinical testing. Allele origin: germline.
Comment: PM2, BP4

Labcorp Genetics (formerly Invitae), Labcorp
Classification: Likely benign. Last evaluated: 2025-08-18. Review status: criteria provided, single submitter. Criteria: Invitae Variant Classification Sherloc (09022015). Collection method: clinical testing. Allele origin: germline.